The following is an entry in ClinVar:

NM_000443.4(ABCB4):c.2519C>A (p.Ala840Asp)

Gene: ABCB4 (ATP binding cassette subfamily B member 4; minus strand). Cytogenetic location: 7q21.12.
Variant type: single nucleotide variant.
Coding change: c.2519C>A on transcript NM_000443.4 (MANE Select); coding-DNA position 2519, C replaced by A.
Protein change: p.Ala840Asp; replaces alanine 840 with aspartic acid.
Molecular consequence: missense variant.
Genome position (GRCh38, 1-based): chr7:87,417,475, G>T on the plus strand (C>A on the coding strand, the complement: ABCB4 is on the minus strand). VCF-style: chr7-87417475-G-T. GRCh37 (hg19) VCF-style: chr7-87046791-G-T.
Other names: c.2519C>A, p.Ala840Asp (NM_018849.3, NM_018850.3); short protein forms A840D.
Identifiers: ClinVar variation 4846405 (VCV004846405.1).

ClinVar aggregate classification (germline): Uncertain significance (1 of 4 stars; one submission).

Conditions:
Familial intrahepatic cholestasis. Identifiers: Orphanet 284385, MedGen CN296401, MONDO:0017290.

Submission:

Genomenon, Inc
Classification: Uncertain significance for Familial intrahepatic cholestasis. Last evaluated: 2026-04-14. Review status: criteria provided, single submitter. Criteria: Genomenon Sequence Variant Interpretation Standards - Updated. Collection method: curation. Allele origin: germline. Affected: yes.
Comment: ABCB4 p.Ala840Asp (c.2519C>A) is a missense variant that changes the amino acid at residue 840 from Alanine to Aspartic acid. This variant has been observed in at least one proband with an ABCB4-related disorder (PMID:21119540). It is absent or not present at a significant frequency in gnomAD. In silico models predict that this variant is possibly or probably damaging. In conclusion, we classify ABCB4 p.Ala840Asp (c.2519C>A) as a variant of uncertain significance.

Literature cited by the submitters: PubMed 21119540.